The following is an entry in ClinVar:

NM_001347721.2(DYRK1A):c.1221del (p.Lys407fs)

Gene: DYRK1A (dual specificity tyrosine phosphorylation regulated kinase 1A; plus strand). Cytogenetic location: 21q22.13.
Variant type: Deletion.
Coding change: c.1221del on transcript NM_001347721.2 (MANE Select); coding-DNA position 1221, one base deleted (A; older notation c.1221delA).
Protein change: p.Lys407fs; shifts the reading frame from lysine 407.
Molecular consequence: frameshift variant.
Genome position (GRCh38, 1-based): chr21:37,505,291, A deleted; the last of 3 consecutive A bases (chr21:37,505,289-37,505,291); deleting any one gives the same sequence. VCF-style (leftmost placement, unchanged base first): chr21-37505288-CA-C. GRCh37 (hg19) VCF-style: chr21-38877591-CA-C.
Other names: c.1221del, p.Lys407fs (NM_001347722.2, NM_130436.2); c.1134del, p.Lys378fs (NM_001347723.2); c.1248del, p.Lys416fs (NM_001396.5, NM_101395.2, NM_130438.2); c.1248delA (NM_130438.2); short protein forms K378fs, K407fs, K416fs.
Identifiers: ClinVar variation 419635 (VCV000419635.4), dbSNP rs1064794006, ClinGen allele CA16621004.

ClinVar aggregate classification (germline): Pathogenic (1 of 4 stars; one submission).

Conditions:
Complex neurodevelopmental disorder. Identifiers: Orphanet 528084, MedGen C5568766, MONDO:0100038.

Submission:

GeneDx
Classification: Pathogenic. Last evaluated: 2015-08-18. Review status: criteria provided, single submitter. Criteria: GeneDx Variant Classification (06012015). Collection method: clinical testing. Allele origin: germline. Affected: yes.
Comment: The c.1248delA deletion in the DYRK1A gene has not been reported previously as a pathogenic variant nor as a benign polymorphism, to our knowledge. The c.1248delA deletion causes a frameshift starting with codon Lysine 416, changes this amino acid to a Asparagine residue, and creates a premature Stop codon at position 35 of the new reading frame, denoted p.Lys416AsnfsX35. This variant is predicted to cause loss of normal protein function either through protein truncation or nonsense-mediated mRNA decay. The c.1248delA deletion was not observed in approximately 6500 individuals of Europeanand African American ancestry in the NHLBI Exome Sequencing Project, indicating it is not a common benign variant in these populations. We interpret c.1248delA as a pathogenic variant.